The following is an entry in ClinVar:

NM_021072.4(HCN1):c.303G>C (p.Met101Ile)

Gene: HCN1 (hyperpolarization activated cyclic nucleotide gated potassium channel 1; minus strand). Cytogenetic location: 5p12.
Variant type: single nucleotide variant.
Coding change: c.303G>C on transcript NM_021072.4 (MANE Select); coding-DNA position 303, G replaced by C.
Protein change: p.Met101Ile; replaces methionine 101 with isoleucine.
Molecular consequence: missense variant.
Genome position (GRCh38, 1-based): chr5:45,695,791, C>G on the plus strand (G>C on the coding strand, the complement: HCN1 is on the minus strand). VCF-style: chr5-45695791-C-G. GRCh37 (hg19) VCF-style: chr5-45695893-C-G.
Other names: short protein forms M101I.
Identifiers: ClinVar variation 1703379 (VCV001703379.2), dbSNP rs1456742212, ClinGen allele CA359706321.

ClinVar aggregate classification (germline): Uncertain significance (1 of 4 stars; one submission).

Submission:

GeneDx
Classification: Uncertain significance. Last evaluated: 2022-02-24. Review status: criteria provided, single submitter. Criteria: GeneDx Variant Classification Process June 2021. Collection method: clinical testing. Allele origin: germline. Affected: yes.
Comment: Not observed at significant frequency in large population cohorts (gnomAD); In silico analysis supports that this missense variant does not alter protein structure/function; Has not been previously published as pathogenic or benign to our knowledge